The following is an entry in ClinVar:

NM_001164508.2(NEB):c.6271A>C (p.Met2091Leu)

Gene: NEB (nebulin; minus strand). Cytogenetic location: 2q23.3.
Variant type: single nucleotide variant.
Coding change: c.6271A>C on transcript NM_001164508.2 (MANE Select); coding-DNA position 6271, A replaced by C.
Protein change: p.Met2091Leu; replaces methionine 2091 with leucine.
Molecular consequence: missense variant.
Genome position (GRCh38, 1-based): chr2:151,656,377, T>G on the plus strand (A>C on the coding strand, the complement: NEB is on the minus strand). VCF-style: chr2-151656377-T-G. GRCh37 (hg19) VCF-style: chr2-152512891-T-G.
Other names: c.6271A>C, p.Met2091Leu (NM_001164507.2, NM_001271208.2, NM_004543.5); short protein forms M2091L.
Identifiers: ClinVar variation 1996839 (VCV001996839.1), dbSNP rs527787405, ClinGen allele CA348800083.

ClinVar aggregate classification (germline): Uncertain significance (1 of 4 stars; one submission).

Conditions:
Nemaline myopathy 2 (NEM2). Also called: Nemaline myopathy 2, autosomal recessive. Identifiers: MedGen C1850569, MONDO:0009725, OMIM 256030.

Submission:

Labcorp Genetics (formerly Invitae), Labcorp
Classification: Uncertain significance for Nemaline myopathy 2. Last evaluated: 2022-05-27. Review status: criteria provided, single submitter. Criteria: Invitae Variant Classification Sherloc (09022015). Collection method: clinical testing. Allele origin: germline.
Comment: This sequence change replaces methionine, which is neutral and non-polar, with leucine, which is neutral and non-polar, at codon 2091 of the NEB protein (p.Met2091Leu). This variant is not present in population databases (gnomAD no frequency). This variant has not been reported in the literature in individuals affected with NEB-related conditions. Algorithms developed to predict the effect of missense changes on protein structure and function are either unavailable or do not agree on the potential impact of this missense change (SIFT: "Deleterious"; PolyPhen-2: "Not Available"; Align-GVGD: "Class C0"). In summary, the available evidence is currently insufficient to determine the role of this variant in disease. Therefore, it has been classified as a Variant of Uncertain Significance.